The following is an entry in ClinVar:

NM_006231.4(POLE):c.4493C>T (p.Ala1498Val)

Gene: POLE (DNA polymerase epsilon, catalytic subunit; minus strand). Cytogenetic location: 12q24.33.
Variant type: single nucleotide variant.
Coding change: c.4493C>T on transcript NM_006231.4 (MANE Select); coding-DNA position 4493, C replaced by T.
Protein change: p.Ala1498Val; replaces alanine 1498 with valine.
Molecular consequence: missense variant.
Genome position (GRCh38, 1-based): chr12:132,643,282, G>A on the plus strand (C>T on the coding strand, the complement: POLE is on the minus strand). VCF-style: chr12-132643282-G-A. GRCh37 (hg19) VCF-style: chr12-133219868-G-A.
Other names: c.4493C>T (NM_006231.2); short protein forms A1498V.
Identifiers: ClinVar variation 405884 (VCV000405884.15), dbSNP rs751465593, ClinGen allele CA6892823.

ClinVar aggregate classification (germline): Conflicting classifications of pathogenicity. Review status: criteria provided, conflicting classifications (1 of 4 stars). 4 submissions from 4 submitters: Uncertain significance (3); Likely benign (1). Last evaluated 2026-09-02.

Conditions:
Hereditary cancer-predisposing syndrome. Also called: Hereditary neoplastic syndrome; Tumor predisposition; Hereditary Cancer Syndrome; Neoplastic Syndromes, Hereditary. Identifiers: Orphanet 140162, MedGen C0027672, MeSH D009386, MONDO:0015356.
Intrauterine growth retardation, metaphyseal dysplasia, adrenal hypoplasia congenita, genital anomalies, and immunodeficiency. Also called: IMAGEI SYNDROME. Identifiers: MedGen C5193036, MONDO:0032684, OMIM 618336.
Colorectal cancer, susceptibility to, 12 (CRCS12). Also called: COLORECTAL CANCER, SUSCEPTIBILITY TO, ON CHROMOSOME 12q24. Identifiers: Orphanet 220460, MedGen C3554460, MONDO:0014038, OMIM 615083.
Facial dysmorphism-immunodeficiency-livedo-short stature syndrome. Also called: FILS syndrome; Facial dysmorphism, immunodeficiency, livedo, and short stature. Identifiers: Orphanet 352712, MedGen C3554576, MONDO:0014058, OMIM 615139.

Allele frequency attached by ClinVar (database versions not stated): gnomAD exomes 0.00002 and 0.00008; gnomAD 0.00004; TOPMed 0.00007; ExAC 0.00002.
gnomAD v4.1: 34 of 1,613,844 alleles (0.0021%); highest among the groups gnomAD compares: Admixed American, 0.043%; no homozygotes.

Submissions (4):

GeneDx
Classification: Uncertain significance. Last evaluated: 2026-09-02. Review status: criteria provided, single submitter. Criteria: GeneDx Variant Classification Process June 2021. Collection method: clinical testing. Allele origin: germline.
Comment: In silico analysis suggests that this missense variant does not alter protein structure/function; This variant is associated with the following publications: (PMID: 32627883, 34326862)

Labcorp Genetics (formerly Invitae), Labcorp
Classification: Uncertain significance. Last evaluated: 2026-01-31. Review status: criteria provided, single submitter. Criteria: Invitae Variant Classification Sherloc (09022015). Collection method: clinical testing. Allele origin: germline.
Comment: This sequence change replaces alanine, which is neutral and non-polar, with valine, which is neutral and non-polar, at codon 1498 of the POLE protein (p.Ala1498Val). This variant is present in population databases (rs751465593, gnomAD 0.06%). This variant has not been reported in the literature in individuals affected with POLE-related conditions. ClinVar contains an entry for this variant (Variation ID: 405884). Invitae Evidence Modeling of protein sequence and biophysical properties (such as structural, functional, and spatial information, amino acid conservation, physicochemical variation, residue mobility, and thermodynamic stability) indicates that this missense variant is not expected to disrupt POLE protein function with a negative predictive value of 80%. In summary, the available evidence is currently insufficient to determine the role of this variant in disease. Therefore, it has been classified as a Variant of Uncertain Significance.

Ambry Genetics
Classification: Likely benign for Hereditary cancer-predisposing syndrome. Last evaluated: 2024-08-20. Review status: criteria provided, single submitter. Criteria: Ambry Variant Classification Scheme 2023. Collection method: clinical testing. Allele origin: germline.

Fulgent Genetics
Classification: Uncertain significance for Colorectal cancer, susceptibility to, 12; Facial dysmorphism-immunodeficiency-livedo-short stature syndrome; Intrauterine growth retardation, metaphyseal dysplasia, adrenal hypoplasia congenita, genital anomalies, and immunodeficiency. Last evaluated: 2024-06-21. Review status: criteria provided, single submitter. Criteria: ACMG Guidelines, 2015. Collection method: clinical testing. Allele origin: germline.